The following is an entry in ClinVar:

ClinVar aggregate classification (germline): Uncertain significance. Review status: criteria provided, multiple submitters, no conflicts (2 of 4 stars). 3 submissions from 3 submitters: Uncertain significance (3). Last evaluated 2025-08-01.

Conditions:
Spinocerebellar ataxia, autosomal recessive, with axonal neuropathy 1 (SCAN1). Identifiers: Orphanet 94124, MedGen C4759870, MONDO:0011801, OMIM 607250.

Allele frequency attached by ClinVar (database versions not stated): ExAC 0.00002; gnomAD 0.00002; gnomAD exomes 0.00003; TOPMed 0.00003.
gnomAD v4.1: 36 of 1,614,020 alleles (0.0022%); highest among the groups gnomAD compares: South Asian, 0.0099%; no homozygotes.

Submissions (3):

CeGaT Center for Human Genetics Tuebingen
Classification: Uncertain significance. Last evaluated: 2025-08-01. Review status: criteria provided, single submitter. Criteria: CeGaT Center For Human Genetics Tuebingen Variant Classification Criteria Version 2. Collection method: clinical testing. Allele origin: germline. Affected: yes. Observed: 1 variant allele.
Comment: TDP1: PM2, PM3:Supporting

Mayo Clinic Laboratories, Mayo Clinic
Classification: Uncertain significance. Last evaluated: 2024-11-06. Review status: criteria provided, single submitter. Criteria: ACMG Guidelines, 2015. Collection method: clinical testing. Allele origin: germline. Observed: 2 variant alleles.
Comment: PM2_supporting

ARUP Laboratories, Molecular Genetics and Genomics, ARUP Laboratories
Classification: Uncertain significance for Spinocerebellar ataxia, autosomal recessive, with axonal neuropathy 1. Last evaluated: 2021-02-25. Review status: criteria provided, single submitter. Criteria: ARUP Molecular Germline Variant Investigation Process 2021. Collection method: clinical testing. Allele origin: germline.

NM_018319.4(TDP1):c.1793C>T (p.Pro598Leu)

Gene: TDP1 (tyrosyl-DNA phosphodiesterase 1; plus strand). Cytogenetic location: 14q32.11.
Variant type: single nucleotide variant.
Coding change: c.1793C>T on transcript NM_018319.4 (MANE Select); coding-DNA position 1793, C replaced by T.
Protein change: p.Pro598Leu; replaces proline 598 with leucine.
Molecular consequence: missense variant.
Genome position (GRCh38, 1-based): chr14:90,043,109, C>T. VCF-style: chr14-90043109-C-T. GRCh37 (hg19) VCF-style: chr14-90509453-C-T.
Other names: p.Pro598Leu; c.1793C>T, p.Pro598Leu (NM_001008744.2); c.1684C>T, p.Arg562Trp (NM_001330205.2); short protein forms P598L, R562W.
Identifiers: ClinVar variation 1330989 (VCV001330989.16), dbSNP rs113382706, ClinGen allele CA7304135.